The following is an entry in ClinVar:

NM_031471.6(FERMT3):c.1924C>T (p.Arg642Trp)

Gene: FERMT3 (FERM domain containing kindlin 3; plus strand). Cytogenetic location: 11q13.1.
Variant type: single nucleotide variant.
Coding change: c.1924C>T on transcript NM_031471.6 (MANE Select); coding-DNA position 1924, C replaced by T.
Protein change: p.Arg642Trp; replaces arginine 642 with tryptophan.
Molecular consequence: missense variant.
Genome position (GRCh38, 1-based): chr11:64,223,424, C>T. VCF-style: chr11-64223424-C-T. GRCh37 (hg19) VCF-style: chr11-63990896-C-T.
Other names: c.1924C>T, p.Arg642Trp (NM_001382361.1, NM_001382448.1); c.1936C>T, p.Arg646Trp (NM_001382362.1, NM_178443.3); c.1384C>T, p.Arg462Trp (NM_001382363.1); c.1396C>T, p.Arg466Trp (NM_001382364.1); short protein forms R642W, R646W, R462W, R466W.
Identifiers: ClinVar variation 581991 (VCV000581991.7), dbSNP rs778780064, ClinGen allele CA6069322.
Genomic context (GRCh38, chr11:64,223,424, plus strand): 5'-GCCAGCTGCCGAATTGTACACGAGTATATCGGGGGCTACATTTTCCTGTCGACGCGGGAG[C>T]GGGCCCGTGGGGAGGAGCTGGATGAAGACCTCTTCCTGCAGCTCACCGGGGGCCATGAGG-3'
Protein context (NP_113659.3, residues 632-652): GGYIFLSTRE[Arg642Trp]ARGEELDEDL

ClinVar aggregate classification (germline): Uncertain significance (1 of 4 stars; one submission).

Conditions:
Leukocyte adhesion deficiency 3. Also called: INTEGRIN ACTIVATION DEFICIENCY DISEASE; LEUKOCYTE ADHESION DEFICIENCY 1 VARIANT; Leukocyte adhesion deficiency, type III. Identifiers: Orphanet 2968, Orphanet 99844, MedGen C2748536, MONDO:0013016, OMIM 612840.

Allele frequency attached by ClinVar (database versions not stated): ExAC 0.00001; gnomAD 0.00001; gnomAD exomes 0.00001; TOPMed 0.00001.
gnomAD v4.1: 18 of 1,613,314 alleles (0.0011%); highest among the groups gnomAD compares: East Asian, 0.0045%; no homozygotes.

Submission:

Labcorp Genetics (formerly Invitae), Labcorp
Classification: Uncertain significance for Leukocyte adhesion deficiency 3. Last evaluated: 2026-01-26. Review status: criteria provided, single submitter. Criteria: Invitae Variant Classification Sherloc (09022015). Collection method: clinical testing. Allele origin: germline.
Comment: This sequence change replaces arginine, which is basic and polar, with tryptophan, which is neutral and slightly polar, at codon 642 of the FERMT3 protein (p.Arg642Trp). This variant is present in population databases (rs778780064, gnomAD 0.005%). This variant has not been reported in the literature in individuals affected with FERMT3-related conditions. ClinVar contains an entry for this variant (Variation ID: 581991). Invitae Evidence Modeling of protein sequence and biophysical properties (such as structural, functional, and spatial information, amino acid conservation, physicochemical variation, residue mobility, and thermodynamic stability) indicates that this missense variant is expected to disrupt FERMT3 protein function with a positive predictive value of 80%. In summary, the available evidence is currently insufficient to determine the role of this variant in disease. Therefore, it has been classified as a Variant of Uncertain Significance.